The following is an entry in ClinVar:

NM_173076.3(ABCA12):c.6962+1G>T

Genes: ABCA12 (ATP binding cassette subfamily A member 12; minus strand), SNHG31 (small nucleolar RNA host gene 31; plus strand). Cytogenetic location: 2q35.
Variant type: single nucleotide variant.
Coding change: c.6962+1G>T on transcript NM_173076.3 (MANE Select); the canonical splice donor site of the intron after coding-DNA position 6962, G replaced by T.
Molecular consequence: splice donor variant.
Genome position (GRCh38, 1-based): chr2:214,949,039, C>A on the plus strand (G>T on the coding strand, the complement: ABCA12 is on the minus strand). VCF-style: chr2-214949039-C-A. GRCh37 (hg19) VCF-style: chr2-215813763-C-A.
Other names: c.6008+1G>T (NM_015657.4).
Identifiers: ClinVar variation 2767540 (VCV002767540.3), dbSNP rs767101129, ClinGen allele CA350794420.

ClinVar aggregate classification (germline): Likely pathogenic (1 of 4 stars; one submission).

Submission:

Labcorp Genetics (formerly Invitae), Labcorp
Classification: Likely pathogenic. Last evaluated: 2023-10-10. Review status: criteria provided, single submitter. Criteria: Invitae Variant Classification Sherloc (09022015). Collection method: clinical testing. Allele origin: germline.
Comment: This sequence change affects a donor splice site in intron 46 of the ABCA12 gene. It is expected to disrupt RNA splicing. Variants that disrupt the donor or acceptor splice site typically lead to a loss of protein function (PMID: 16199547), and loss-of-function variants in ABCA12 are known to be pathogenic (PMID: 20672373). This variant is not present in population databases (gnomAD no frequency). This variant has not been reported in the literature in individuals affected with ABCA12-related conditions. Algorithms developed to predict the effect of sequence changes on RNA splicing suggest that this variant may disrupt the consensus splice site. In summary, the currently available evidence indicates that the variant is pathogenic, but additional data are needed to prove that conclusively. Therefore, this variant has been classified as Likely Pathogenic.

Literature cited by the submitters: PubMed 16199547; PubMed 20672373.